The following is an entry in ClinVar:

ClinVar aggregate classification (germline): Uncertain significance (1 of 4 stars; one submission).

Conditions:
Dilated cardiomyopathy 1O (CMD1O). Also called: CARDIOMYOPATHY, DILATED, WITH VENTRICULAR TACHYCARDIA. Identifiers: Orphanet 154, MedGen C1837839, MONDO:0012062, OMIM 608569.

gnomAD v4.1: 3 of 1,613,824 alleles (0.00019%); highest among the groups gnomAD compares: Non-Finnish European, 0.00025%; no homozygotes.

Submission:

Labcorp Genetics (formerly Invitae), Labcorp
Classification: Uncertain significance for Dilated cardiomyopathy 1O. Last evaluated: 2025-09-08. Review status: criteria provided, single submitter. Criteria: Invitae Variant Classification Sherloc (09022015). Collection method: clinical testing. Allele origin: germline.
Comment: This sequence change replaces valine, which is neutral and non-polar, with alanine, which is neutral and non-polar, at codon 1155 of the ABCC9 protein (p.Val1155Ala). This variant is present in population databases (no rsID available, gnomAD 0.0009%). This variant has not been reported in the literature in individuals affected with ABCC9-related conditions. Invitae Evidence Modeling of protein sequence and biophysical properties (such as structural, functional, and spatial information, amino acid conservation, physicochemical variation, residue mobility, and thermodynamic stability) indicates that this missense variant is expected to disrupt ABCC9 protein function with a positive predictive value of 80%. In summary, the available evidence is currently insufficient to determine the role of this variant in disease. Therefore, it has been classified as a Variant of Uncertain Significance.

NM_020297.4(ABCC9):c.3464T>C (p.Val1155Ala)

Gene: ABCC9 (ATP binding cassette subfamily C member 9; minus strand). Cytogenetic location: 12p12.1.
Variant type: single nucleotide variant.
Coding change: c.3464T>C on transcript NM_020297.4 (MANE Select); coding-DNA position 3464, T replaced by C.
Protein change: p.Val1155Ala; replaces valine 1155 with alanine.
Molecular consequence: missense variant.
Genome position (GRCh38, 1-based): chr12:21,842,323, A>G on the plus strand (T>C on the coding strand, the complement: ABCC9 is on the minus strand). VCF-style: chr12-21842323-A-G. GRCh37 (hg19) VCF-style: chr12-21995257-A-G.
Other names: c.3464T>C, p.Val1155Ala (NM_001377273.1, NM_005691.4); c.2597T>C, p.Val866Ala (NM_001377274.1); short protein forms V866A, V1155A.
Identifiers: ClinVar variation 4768333 (VCV004768333.1).